The following is an entry in ClinVar:

NM_052813.5(CARD9):c.1104C>A (p.His368Gln)

Gene: CARD9 (caspase recruitment domain family member 9; minus strand). Cytogenetic location: 9q34.3.
Variant type: single nucleotide variant.
Coding change: c.1104C>A on transcript NM_052813.5 (MANE Select); coding-DNA position 1104, C replaced by A.
Protein change: p.His368Gln; replaces histidine 368 with glutamine.
Molecular consequence: missense variant.
Genome position (GRCh38, 1-based): chr9:136,367,802, G>T on the plus strand (C>A on the coding strand, the complement: CARD9 is on the minus strand). VCF-style: chr9-136367802-G-T. GRCh37 (hg19) VCF-style: chr9-139262254-G-T.
Other names: c.1104C>A, p.His368Gln (NM_052814.4); short protein forms H368Q.
Identifiers: ClinVar variation 959639 (VCV000959639.9), dbSNP rs145052557, ClinGen allele CA5332828.

ClinVar aggregate classification (germline): Uncertain significance. Review status: criteria provided, multiple submitters, no conflicts (2 of 4 stars). 2 submissions from 2 submitters: Uncertain significance (2). Last evaluated 2024-10-22.

Conditions:
Inborn genetic diseases. Identifiers: MedGen C0950123, MeSH D030342.
Predisposition to invasive fungal disease due to CARD9 deficiency (IMD103). Also called: Candidiasis, familial, 2, autosomal recessive; CARD9 IMMUNODEFICIENCY; IMMUNODEFICIENCY 103, SUSCEPTIBILITY TO FUNGAL INFECTIONS. Identifiers: Orphanet 457088, MedGen C1859353, MONDO:0008905, OMIM 212050.

Allele frequency attached by ClinVar (database versions not stated): TOPMed 0.00002.
gnomAD v4.1: 11 of 1,602,086 alleles (0.00069%); highest among the groups gnomAD compares: Middle Eastern, 0.017%; no homozygotes.

Submissions (2):

Labcorp Genetics (formerly Invitae), Labcorp
Classification: Uncertain significance for Predisposition to invasive fungal disease due to CARD9 deficiency. Last evaluated: 2024-10-22. Review status: criteria provided, single submitter. Criteria: Invitae Variant Classification Sherloc (09022015). Collection method: clinical testing. Allele origin: germline.
Comment: This sequence change replaces histidine, which is basic and polar, with glutamine, which is neutral and polar, at codon 368 of the CARD9 protein (p.His368Gln). The frequency data for this variant in the population databases is considered unreliable, as metrics indicate poor data quality at this position in the gnomAD database. This variant has not been reported in the literature in individuals affected with CARD9-related conditions. ClinVar contains an entry for this variant (Variation ID: 959639). Invitae Evidence Modeling of protein sequence and biophysical properties (such as structural, functional, and spatial information, amino acid conservation, physicochemical variation, residue mobility, and thermodynamic stability) indicates that this missense variant is not expected to disrupt CARD9 protein function with a negative predictive value of 80%. In summary, the available evidence is currently insufficient to determine the role of this variant in disease. Therefore, it has been classified as a Variant of Uncertain Significance.

Ambry Genetics
Classification: Uncertain significance for Inborn genetic diseases. Last evaluated: 2022-08-16. Review status: criteria provided, single submitter. Criteria: Ambry Variant Classification Scheme 2023. Collection method: clinical testing. Allele origin: germline.